The following is an entry in ClinVar:

NM_005035.4(POLRMT):c.13T>C (p.Cys5Arg)

Genes: POLRMT (RNA polymerase mitochondrial; minus strand), LOC130062834 (ATAC-STARR-seq lymphoblastoid silent region 9612; plus strand). Cytogenetic location: 19p13.3.
Variant type: single nucleotide variant.
Coding change: c.13T>C on transcript NM_005035.4 (MANE Select); coding-DNA position 13, T replaced by C.
Protein change: p.Cys5Arg; replaces cysteine 5 with arginine.
Molecular consequence: missense variant. On other transcripts: 5 prime UTR variant (5), non-coding transcript variant (1).
Genome position (GRCh38, 1-based): chr19:633,500, A>G on the plus strand (T>C on the coding strand, the complement: POLRMT is on the minus strand). VCF-style: chr19-633500-A-G. GRCh37 (hg19) VCF-style: chr19-633500-A-G.
Other names: c.13T>C, p.Cys5Arg (NM_001407805.1, NM_001407806.1, NM_001407807.1 and 12 more transcripts); c.-537T>C (NM_001407831.1, NM_001407833.1, NM_001407834.1 and 2 more transcripts); short protein forms C5R.
Identifiers: ClinVar variation 4989911 (VCV004989911.1).

ClinVar aggregate classification (germline): Likely benign (1 of 4 stars; one submission).

Conditions:
POLRMT-related disorder. Also called: POLRMT-related condition.

gnomAD v4.1: 253 of 1,290,776 alleles (0.02%); highest among the groups gnomAD compares: African/African-American, 0.49%; 2 homozygotes.

Submission:

PreventionGenetics, part of Exact Sciences
Classification: Likely benign for POLRMT-related condition. Last evaluated: 2026-09-03. Review status: criteria provided, single submitter. Criteria: ACMG Guidelines, 2015. Collection method: clinical testing. Allele origin: germline.
Comment: This variant is classified as likely benign based on ACMG/AMP sequence variant interpretation guidelines (Richards et al. 2015 PMID: 25741868, with internal and published modifications).